The following is an entry in ClinVar:

ClinVar aggregate classification (germline): Uncertain significance. Review status: criteria provided, multiple submitters, no conflicts (2 of 4 stars). 2 submissions from 2 submitters: Uncertain significance (2). Last evaluated 2024-11-25.

Conditions:
Inborn genetic diseases. Identifiers: MedGen C0950123, MeSH D030342.

gnomAD v4.1: 48 of 1,613,294 alleles (0.003%); highest among the groups gnomAD compares: Middle Eastern, 0.082%; no homozygotes.

Submissions (2):

Ambry Genetics
Classification: Uncertain significance for Inborn genetic diseases. Last evaluated: 2024-11-25. Review status: criteria provided, single submitter. Criteria: Ambry Variant Classification Scheme 2023. Collection method: clinical testing. Allele origin: germline.

Labcorp Genetics (formerly Invitae), Labcorp
Classification: Uncertain significance. Last evaluated: 2022-11-07. Review status: criteria provided, single submitter. Criteria: Invitae Variant Classification Sherloc (09022015). Collection method: clinical testing. Allele origin: germline.
Comment: This variant has not been reported in the literature in individuals affected with TAF2-related conditions. This variant is present in population databases (rs375287888, gnomAD 0.002%). This sequence change replaces aspartic acid, which is acidic and polar, with asparagine, which is neutral and polar, at codon 1042 of the TAF2 protein (p.Asp1042Asn). ClinVar contains an entry for this variant (Variation ID: 1492519). In summary, the available evidence is currently insufficient to determine the role of this variant in disease. Therefore, it has been classified as a Variant of Uncertain Significance. Advanced modeling of protein sequence and biophysical properties (such as structural, functional, and spatial information, amino acid conservation, physicochemical variation, residue mobility, and thermodynamic stability) performed at Invitae indicates that this missense variant is not expected to disrupt TAF2 protein function.

NM_003184.4(TAF2):c.3124G>A (p.Asp1042Asn)

Gene: TAF2 (TATA-box binding protein associated factor 2; minus strand). Cytogenetic location: 8q24.12.
Variant type: single nucleotide variant.
Coding change: c.3124G>A on transcript NM_003184.4 (MANE Select); coding-DNA position 3124, G replaced by A.
Protein change: p.Asp1042Asn; replaces aspartic acid 1042 with asparagine.
Molecular consequence: missense variant.
Genome position (GRCh38, 1-based): chr8:119,744,378, C>T on the plus strand (G>A on the coding strand, the complement: TAF2 is on the minus strand). VCF-style: chr8-119744378-C-T. GRCh37 (hg19) VCF-style: chr8-120756618-C-T.
Other names: c.3124G>A (NM_003184.3); short protein forms D1042N.
Identifiers: ClinVar variation 1492519 (VCV001492519.9), dbSNP rs375287888, ClinGen allele CA4856875.